The following is an entry in ClinVar:

NM_007144.3(PCGF2):c.710C>T (p.Thr237Ile)

Genes: CISD3 (CDGSH iron sulfur domain 3; plus strand), PCGF2 (polycomb group ring finger 2; minus strand). Cytogenetic location: 17q12.
Variant type: single nucleotide variant.
Coding change: c.710C>T on transcript NM_007144.3 (MANE Select); coding-DNA position 710, C replaced by T.
Protein change: p.Thr237Ile; replaces threonine 237 with isoleucine.
Molecular consequence: missense variant. On other transcripts: 3 prime UTR variant (1).
Genome position (GRCh38, 1-based): chr17:38,735,548, G>A on the plus strand (C>T on the coding strand, the complement: PCGF2 is on the minus strand). VCF-style: chr17-38735548-G-A. GRCh37 (hg19) VCF-style: chr17-36891801-G-A.
Other names: c.*2093G>A (NM_001136498.2); c.710C>T, p.Thr237Ile (NM_001369614.1, NM_001369615.1); short protein forms T237I.
Identifiers: ClinVar variation 3714344 (VCV003714344.2).

ClinVar aggregate classification (germline): Uncertain significance (1 of 4 stars; one submission).

gnomAD v4.1: 5 of 1,587,580 alleles (0.00031%); highest among the groups gnomAD compares: Admixed American, 0.0018%; no homozygotes.

Submission:

Labcorp Genetics (formerly Invitae), Labcorp
Classification: Uncertain significance. Last evaluated: 2025-06-24. Review status: criteria provided, single submitter. Criteria: Invitae Variant Classification Sherloc (09022015). Collection method: clinical testing. Allele origin: germline.
Comment: This sequence change replaces threonine, which is neutral and polar, with isoleucine, which is neutral and non-polar, at codon 237 of the PCGF2 protein (p.Thr237Ile). The frequency data for this variant in the population databases is considered unreliable, as metrics indicate poor data quality at this position in the gnomAD database. This variant has not been reported in the literature in individuals affected with PCGF2-related conditions. ClinVar contains an entry for this variant (Variation ID: 3714344). Invitae Evidence Modeling of protein sequence and biophysical properties (such as structural, functional, and spatial information, amino acid conservation, physicochemical variation, residue mobility, and thermodynamic stability) indicates that this missense variant is not expected to disrupt PCGF2 protein function with a negative predictive value of 80%. In summary, the available evidence is currently insufficient to determine the role of this variant in disease. Therefore, it has been classified as a Variant of Uncertain Significance.